The following is an entry in ClinVar:

NM_000377.3(WAS):c.1059A>C (p.Pro353=)

Gene: WAS (WASP actin nucleation promoting factor; plus strand). Cytogenetic location: Xp11.23.
Variant type: single nucleotide variant.
Coding change: c.1059A>C on transcript NM_000377.3 (MANE Select); coding-DNA position 1059, A replaced by C.
Protein change: p.Pro353=; no amino-acid change (proline 353 retained).
Molecular consequence: synonymous variant.
Genome position (GRCh38, 1-based): chrX:48,688,787, A>C. VCF-style: chrX-48688787-A-C. GRCh37 (hg19) VCF-style: chrX-48547176-A-C.
Identifiers: ClinVar variation 2660464 (VCV002660464.28), dbSNP rs1224792535, ClinGen allele CA516356348.

ClinVar aggregate classification (germline): Likely benign. Review status: criteria provided, multiple submitters, no conflicts (2 of 4 stars). 3 submissions from 3 submitters: Likely benign (3). Last evaluated 2024-10-01.

Conditions:
Thrombocytopenia 1. Also called: X-Linked Thrombocytopenia (XLT); THROMBOCYTOPENIA, X-LINKED, 1; X-linked thrombocytopenia with normal platelets. Identifiers: Orphanet 268322, Orphanet 852, MedGen C1839163, MONDO:0010743, OMIM 313900.
Wiskott-Aldrich syndrome (WAS). Also called: ALDRICH SYNDROME; IMMUNODEFICIENCY 2; WISKOTT-ALDRICH SYNDROME 1; Wiskott-aldrich syndrome, somatic. Identifiers: Orphanet 906, MedGen C0043194, MONDO:0010518, OMIM 301000.
X-linked severe congenital neutropenia (SCNX). Identifiers: Orphanet 86788, MedGen C1845987, MONDO:0010294, OMIM 300299.

Submissions (3):

CeGaT Center for Human Genetics Tuebingen
Classification: Likely benign. Last evaluated: 2024-10-01. Review status: criteria provided, single submitter. Criteria: CeGaT Center For Human Genetics Tuebingen Variant Classification Criteria Version 2. Collection method: clinical testing. Allele origin: germline. Affected: yes. Observed: 3 variant alleles.
Comment: WAS: BP4, BP7

Labcorp Genetics (formerly Invitae), Labcorp
Classification: Likely benign for Wiskott-Aldrich syndrome; X-linked severe congenital neutropenia; Thrombocytopenia 1. Last evaluated: 2023-12-19. Review status: criteria provided, single submitter. Criteria: Invitae Variant Classification Sherloc (09022015). Collection method: clinical testing. Allele origin: germline.

Blueprint Genetics
Classification: Likely benign. Last evaluated: 2023-11-15. Review status: criteria provided, single submitter. Criteria: ACMG Guidelines, 2015. Collection method: clinical testing. Allele origin: germline.